The following is an entry in ClinVar:

ClinVar aggregate classification (germline): Uncertain significance. Review status: criteria provided, multiple submitters, no conflicts (2 of 4 stars). 2 submissions from 2 submitters: Uncertain significance (2). Last evaluated 2026-07-06.

Conditions:
Familial adenomatous polyposis 2. Also called: MUTYH Polyposis; FAP type 2; MUTYH-associated polyposis; Adenomas, multiple colorectal; MUTYH-related attenuated familial adenomatous polyposis; COLORECTAL ADENOMATOUS POLYPOSIS, AUTOSOMAL RECESSIVE. Identifiers: Orphanet 220460, Orphanet 247798, MedGen C3272841, MONDO:0012041, OMIM 608456.
Hereditary cancer-predisposing syndrome. Also called: Tumor predisposition; Hereditary Cancer Syndrome; Hereditary neoplastic syndrome; Neoplastic Syndromes, Hereditary. Identifiers: Orphanet 140162, MedGen C0027672, MeSH D009386, MONDO:0015356.

Submissions (2):

Ambry Genetics
Classification: Uncertain significance for Hereditary cancer-predisposing syndrome. Last evaluated: 2026-07-06. Review status: criteria provided, single submitter. Criteria: Ambry Variant Classification Scheme 2023. Collection method: clinical testing. Allele origin: germline.
Comment: The p.C61Y variant (also known as c.182G>A), located in coding exon 3 of the MUTYH gene, results from a G to A substitution at nucleotide position 182. The cysteine at codon 61 is replaced by tyrosine, an amino acid with highly dissimilar properties. This amino acid position is conserved. In addition, this alteration is predicted to be tolerated by in silico analysis. Based on the available evidence, the clinical significance of this variant remains unclear.

Labcorp Genetics (formerly Invitae), Labcorp
Classification: Uncertain significance for Familial adenomatous polyposis 2. Last evaluated: 2020-02-25. Review status: criteria provided, single submitter. Criteria: Invitae Variant Classification Sherloc (09022015). Collection method: clinical testing. Allele origin: germline.
Comment: Algorithms developed to predict the effect of missense changes on protein structure and function output the following: SIFT: "Deleterious"; PolyPhen-2: "Benign"; Align-GVGD: "Class C0". The tyrosine amino acid residue is found in multiple mammalian species, suggesting that this missense change does not adversely affect protein function. These predictions have not been confirmed by published functional studies and their clinical significance is uncertain. In summary, the available evidence is currently insufficient to determine the role of this variant in disease. Therefore, it has been classified as a Variant of Uncertain Significance. This variant has not been reported in the literature in individuals with MUTYH-related conditions. This sequence change replaces cysteine with tyrosine at codon 61 of the MUTYH protein (p.Cys61Tyr). The cysteine residue is weakly conserved and there is a large physicochemical difference between cysteine and tyrosine. This variant is not present in population databases (ExAC no frequency).

NM_001128425.2(MUTYH):c.182G>A (p.Cys61Tyr)

Gene: MUTYH (mutY DNA glycosylase; minus strand). Cytogenetic location: 1p34.1.
Variant type: single nucleotide variant.
Coding change: c.182G>A on transcript NM_001128425.2 (MANE Plus Clinical); coding-DNA position 182, G replaced by A.
Protein change: p.Cys61Tyr; replaces cysteine 61 with tyrosine.
Molecular consequence: missense variant. On other transcripts: intron variant (10).
Genome position (GRCh38, 1-based): chr1:45,333,579, C>T on the plus strand (G>A on the coding strand, the complement: MUTYH is on the minus strand). VCF-style: chr1-45333579-C-T. GRCh37 (hg19) VCF-style: chr1-45799251-C-T.
Other names: c.131G>A, p.Cys44Tyr (NM_001293191.2); c.173G>A, p.Cys58Tyr (NM_012222.3); c.-92-82G>A (NM_001350651.2); c.-97-82G>A (NM_001293192.2, NM_001293196.2); c.-156-18G>A (NM_001350650.2); c.116-18G>A (NM_001048171.2, NM_001048173.2, NM_001048174.2 and 1 more transcripts); c.158-15G>A (NM_001293190.2); c.116-15G>A (NM_001048172.2); and 1 more; short protein forms C44Y, C58Y, C61Y.
Identifiers: ClinVar variation 1019784 (VCV001019784.10), dbSNP rs1372337348, ClinGen allele CA340136784.